The following is an entry in ClinVar:

NM_001267550.2(TTN):c.18745G>A (p.Asp6249Asn)

Genes: TTN (titin; minus strand), LOC126806430 (BRD4-independent group 4 enhancer GRCh37_chr2:179593794-179594993; plus strand). Cytogenetic location: 2q31.2.
Variant type: single nucleotide variant.
Coding change: c.18745G>A on transcript NM_001267550.2 (MANE Select); coding-DNA position 18745, G replaced by A.
Protein change: p.Asp6249Asn; replaces aspartic acid 6249 with asparagine.
Molecular consequence: missense variant. On other transcripts: intron variant (3).
Genome position (GRCh38, 1-based): chr2:178,729,411, C>T on the plus strand (G>A on the coding strand, the complement: TTN is on the minus strand). VCF-style: chr2-178729411-C-T. GRCh37 (hg19) VCF-style: chr2-179594138-C-T.
Other names: p.D5932N:GAC>AAC; c.17794G>A, p.Asp5932Asn (NM_001256850.1); c.15013G>A, p.Asp5005Asn (NM_133378.4); c.13282+8671G>A (NM_003319.4); c.13858+8671G>A (NM_133437.4); c.13657+8671G>A (NM_133432.3); short protein forms D6249N, D5005N, D5932N.
Identifiers: ClinVar variation 46643 (VCV000046643.62), dbSNP rs201263441, ClinGen allele CA138838.

ClinVar aggregate classification (germline): Conflicting classifications of pathogenicity. Review status: criteria provided, conflicting classifications (1 of 4 stars). 13 submissions from 9 submitters: Uncertain significance (3); Benign (6); Likely benign (4). Last evaluated 2026-02-03.

Conditions:
TTN-related disorder. Also called: TTN-related condition; TTN-related disease; TTN-related disorders.
Dilated cardiomyopathy 1G (CMD1G). Identifiers: Orphanet 154, MedGen C1858763, MONDO:0011400, OMIM 604145.
Autosomal recessive limb-girdle muscular dystrophy type 2J (LGMDR10). Also called: Limb-girdle muscular dystrophy, type 2J; MUSCULAR DYSTROPHY, LIMB-GIRDLE, AUTOSOMAL RECESSIVE 10. Identifiers: Orphanet 140922, MedGen C1837342, MONDO:0012127, OMIM 608807.
Cardiomyopathy (CMYO). Also called: Cardiomyopathies. Identifiers: Orphanet 167848, MedGen C0878544, MONDO:0004994, HP:0001638. Inheritance: Various modes of inheritance.
Early-onset myopathy with fatal cardiomyopathy (CMYO5). Also called: Salih Myopathy; CONGENITAL MYOPATHY 5 WITH CARDIOMYOPATHY. Identifiers: Orphanet 289377, MedGen C2673677, MONDO:0012714, OMIM 611705. Disease mechanism: loss of function.
Myopathy, myofibrillar, 9, with early respiratory failure (MFM9). Also called: Hereditary myopathy with early respiratory failure; Myopathy, distal, with early respiratory failure, autosomal dominant; EDSTROM MYOPATHY; MYOPATHY, PROXIMAL, WITH EARLY RESPIRATORY MUSCLE INVOLVEMENT. Identifiers: Orphanet 178464, Orphanet 34521, MedGen C1863599, MONDO:0011362, OMIM 603689.
Tibial muscular dystrophy (TMD). Also called: Udd Distal Myopathy – Tibial Muscular Dystrophy; Tibial muscular dystrophy, tardive; UDD MYOPATHY. Identifiers: Orphanet 609, MedGen C1838244, MONDO:0010870, OMIM 600334.

Allele frequency attached by ClinVar (database versions not stated): gnomAD exomes 0.00017 and 0.00040; gnomAD 0.00021; TOPMed 0.00023; ExAC 0.00033; ESP Exome Variant Server 0.00041.
gnomAD v4.1: 302 of 1,613,490 alleles (0.019%); highest among the groups gnomAD compares: Admixed American, 0.005%; 1 homozygote.

Submissions (13):

Labcorp Genetics (formerly Invitae), Labcorp
Classification: Benign for Dilated cardiomyopathy 1G; Autosomal recessive limb-girdle muscular dystrophy type 2J. Last evaluated: 2026-02-03. Review status: criteria provided, single submitter. Criteria: Invitae Variant Classification Sherloc (09022015). Collection method: clinical testing. Allele origin: germline.

CeGaT Center for Human Genetics Tuebingen
Classification: Likely benign. Last evaluated: 2025-08-01. Review status: criteria provided, single submitter. Criteria: CeGaT Center For Human Genetics Tuebingen Variant Classification Criteria Version 2. Collection method: clinical testing. Allele origin: germline. Affected: yes. Observed: 8 variant alleles.
Comment: TTN: BP4

Molecular Diagnostic Laboratory for Inherited Cardiovascular Disease, Montreal Heart Institute
Classification: Likely benign. Last evaluated: 2025-04-09. Review status: criteria provided, single submitter. Criteria: ACMG Guidelines, 2015. Collection method: clinical testing. Allele origin: germline. Affected: no.
Comment: BP1

GeneDx
Classification: Likely benign. Last evaluated: 2021-01-27. Review status: criteria provided, single submitter. Criteria: GeneDx Variant Classification Process June 2021. Collection method: clinical testing. Allele origin: germline. Affected: yes.
Comment: This variant is associated with the following publications: (PMID: 23861362)

CHEO Genetics Diagnostic Laboratory, Children's Hospital of Eastern Ontario
Classification: Benign for Cardiomyopathy. Last evaluated: 2018-10-16. Review status: criteria provided, single submitter. Criteria: ACMG Guidelines, 2015. Collection method: clinical testing. Allele origin: germline.

Laboratory for Molecular Medicine, Mass General Brigham Personalized Medicine
Classification: Benign. Last evaluated: 2018-08-16. Review status: criteria provided, single submitter. Criteria: LMM Criteria. Collection method: clinical testing. Allele origin: germline. Observed: 3 variant alleles.
Comment: p.Asp5005Asn in exon 61 of TTN: This variant is not expected to have clinical si gnificance because it has been identified in 0.89% (90/10112) of Ashkenazi Jewis h chromosomes by the Genome Aggregation Database (gnomAD; dbSNP rs201263441). BA1

Illumina Laboratory Services, Illumina
Classification: Uncertain significance for Autosomal recessive limb-girdle muscular dystrophy type 2J. Last evaluated: 2018-01-13. Review status: criteria provided, single submitter. Criteria: ICSL Variant Classification Criteria 13 December 2019. Collection method: clinical testing. Allele origin: germline.

Illumina Laboratory Services, Illumina
Classification: Benign for Tibial muscular dystrophy. Last evaluated: 2018-01-13. Review status: criteria provided, single submitter. Criteria: ICSL Variant Classification Criteria 13 December 2019. Collection method: clinical testing. Allele origin: germline.
Comment: This variant was observed in the ICSL laboratory as part of a predisposition screen in an ostensibly healthy population. It had not been previously curated by ICSL or reported in the Human Gene Mutation Database (HGMD: prior to June 1st, 2018), and was therefore a candidate for classification through an automated scoring system. Utilizing variant allele frequency, disease prevalence and penetrance estimates, and inheritance mode, an automated score was calculated to assess if this variant is too frequent to cause the disease. Based on the score and internal cut-off values, a variant classified as benign is not then subjected to further curation. The score for this variant resulted in a classification of benign for this disease.

Illumina Laboratory Services, Illumina
Classification: Uncertain significance for Early-onset myopathy with fatal cardiomyopathy. Last evaluated: 2018-01-13. Review status: criteria provided, single submitter. Criteria: ICSL Variant Classification Criteria 13 December 2019. Collection method: clinical testing. Allele origin: germline.

Illumina Laboratory Services, Illumina
Classification: Uncertain significance for Dilated cardiomyopathy 1G. Last evaluated: 2018-01-13. Review status: criteria provided, single submitter. Criteria: ICSL Variant Classification Criteria 13 December 2019. Collection method: clinical testing. Allele origin: germline.

Illumina Laboratory Services, Illumina
Classification: Benign for Myopathy, myofibrillar, 9, with early respiratory failure. Last evaluated: 2018-01-13. Review status: criteria provided, single submitter. Criteria: ICSL Variant Classification Criteria 13 December 2019. Collection method: clinical testing. Allele origin: germline.
Comment: the same text as in the submission from Illumina Laboratory Services, Illumina above.

Eurofins Ntd Llc (ga)
Classification: Benign. Last evaluated: 2017-06-15. Review status: criteria provided, single submitter. Criteria: EGL Classification Definitions 2015. Collection method: clinical testing. Allele origin: germline. Observed: 2 variant alleles, 2 heterozygotes.

Biesecker Lab/Clinical Genomics Section, National Institutes of Health
Classification: Likely benign. Last evaluated: 2013-06-24. Review status: criteria provided, single submitter. Criteria: Ng et al. (Circ Cardiovasc Genet. 2013). Collection method: research. Allele origin: unknown. Observed: 2 variant alleles. Study: ClinSeq.
Comment: The study set was not selected for affection status in relation to any cancer. Pathogenicity categories were based on literature curation. See Pubmed ID:23861362 for details.

Medical sequencing

Literature cited by the submitters: PubMed 23861362 (cited by Laboratory for Molecular Medicine, Mass General Brigham Personalized Medicine).